The following is an entry in ClinVar:

NM_002292.4(LAMB2):c.4510_4552del (p.Gln1504fs)

Gene: LAMB2 (laminin subunit beta 2; minus strand). Cytogenetic location: 3p21.31.
Variant type: Deletion.
Coding change: c.4510_4552del on transcript NM_002292.4 (MANE Select); coding-DNA positions 4510 to 4552, 43 bases deleted.
Protein change: p.Gln1504fs; shifts the reading frame from glutamine 1504.
Molecular consequence: frameshift variant.
Genome position (GRCh38, 1-based): chr3:49,122,725-49,122,767, 43 bases deleted; deleting any 43 consecutive bases within chr3:49,122,725-49,122,769 gives the same sequence; the c. name uses the placement nearest the transcript's 3' end. GRCh37 (hg19): chr3:49,160,160-49,160,202.
Other names: short protein forms Q1504fs.
Identifiers: ClinVar variation 842232 (VCV000842232.7), dbSNP rs2045352880, ClinGen allele CA916082573.

ClinVar aggregate classification (germline): Pathogenic (1 of 4 stars; one submission).

Conditions:
Pierson syndrome. Also called: MICROCORIA-CONGENITAL NEPHROTIC SYNDROME. Identifiers: Orphanet 2670, MedGen C1836876, MONDO:0012184, OMIM 609049.
LAMB2-related infantile-onset nephrotic syndrome. Also called: NEPHROTIC SYNDROME, TYPE 5, WITHOUT OCULAR ABNORMALITIES; NEPHROTIC SYNDROME, TYPE 5, WITH OCULAR ABNORMALITIES; Nephrotic Syndrome, type 5. Identifiers: Orphanet 306507, MedGen C3280113, MONDO:0013621, OMIM 614199.

Submission:

Labcorp Genetics (formerly Invitae), Labcorp
Classification: Pathogenic for LAMB2-related infantile-onset nephrotic syndrome; Pierson syndrome. Last evaluated: 2022-07-26. Review status: criteria provided, single submitter. Criteria: Invitae Variant Classification Sherloc (09022015). Collection method: clinical testing. Allele origin: germline.
Comment: This sequence change creates a premature translational stop signal (p.Gln1504Valfs*2) in the LAMB2 gene. It is expected to result in an absent or disrupted protein product. Loss-of-function variants in LAMB2 are known to be pathogenic (PMID: 15367484). This variant is not present in population databases (gnomAD no frequency). For these reasons, this variant has been classified as Pathogenic. Algorithms developed to predict the effect of sequence changes on RNA splicing suggest that this variant may disrupt the consensus splice site. ClinVar contains an entry for this variant (Variation ID: 842232). This variant has not been reported in the literature in individuals affected with LAMB2-related conditions.

Literature cited by the submitters: PubMed 15367484.